The following is an entry in ClinVar:

NC_000007.14:g.(?_117610509)_(117611818_?)del

Gene: CFTR (CF transmembrane conductance regulator; plus strand). Cytogenetic location: 7q31.2.
Variant type: Deletion.
Identifiers: ClinVar variation 831174 (VCV000831174.1).

ClinVar aggregate classification (germline): Pathogenic (1 of 4 stars; one submission).

Conditions:
Cystic fibrosis (CF). Also called: MUCOVISCIDOSIS. Identifiers: Orphanet 586, MedGen C0010674, MONDO:0009061, OMIM 219700. Disease mechanism: loss of function.

Submission:

Labcorp Genetics (formerly Invitae), Labcorp
Classification: Pathogenic for Cystic fibrosis. Last evaluated: 2019-03-26. Review status: criteria provided, single submitter. Criteria: Invitae Variant Classification Sherloc (09022015). Collection method: clinical testing. Allele origin: germline.
Comment: This variant is an out-of-frame deletion of the genomic region encompassing exons 19-20 of the CFTR gene. This is expected to create a premature translational stop signal and result in an absent or disrupted protein product. This variant has not been reported in the literature in individuals with CFTR-related conditions. Loss-of-function variants in CFTR are known to be pathogenic (PMID: 1695717, 7691345, 9725922). For these reasons, this variant has been classified as Pathogenic.